The following is an entry in ClinVar:

NM_002206.3(ITGA7):c.2817del (p.Ala940fs)

Gene: ITGA7 (integrin subunit alpha 7; minus strand). Cytogenetic location: 12q13.2.
Variant type: Deletion.
Coding change: c.2817del on transcript NM_002206.3 (MANE Select); coding-DNA position 2817, one base deleted (T; older notation c.2817delT).
Protein change: p.Ala940fs; shifts the reading frame from alanine 940.
Molecular consequence: frameshift variant.
Genome position (GRCh38, 1-based): chr12:55,692,871, A deleted on the plus strand (T on the coding strand, the reverse complement: ITGA7 is on the minus strand). VCF-style (leftmost placement, unchanged base first): chr12-55692870-CA-C. GRCh37 (hg19) VCF-style: chr12-56086654-CA-C.
Other names: c.2829del, p.Ala944fs (NM_001144996.2); c.2538del, p.Ala847fs (NM_001144997.2); c.2490del, p.Ala831fs (NM_001367993.1); c.1473del, p.Ala492fs (NM_001367994.1); c.2799del, p.Ala934fs (NM_001374465.1); c.2949del, p.Ala984fs (NM_001410977.1); c.2811del, p.Ala938fs (NM_001414029.1); c.2742del, p.Ala915fs (NM_001414030.1); and 5 more; short protein forms A847fs, A865fs, A915fs, A827fs, A900fs, A492fs, A911fs, A934fs.
Identifiers: ClinVar variation 2780776 (VCV002780776.3), dbSNP rs1268692157, ClinGen allele CA605187269.
Genomic context (GRCh38, chr12:55,692,870, plus strand): 5'-AGCTCTGGCTGCACCGAGTCTGGCCTGCCCTCACCAGGGTGATGTTTTTCTTCTTCTCAG[CA>C]GAGGACACTGGCCACCAGGACATGCTGGGCTCCTGCCGCTCACCAGGCTCCTGCTGCTCA-3'

ClinVar aggregate classification (germline): Pathogenic (1 of 4 stars; one submission).

Conditions:
Congenital muscular dystrophy due to integrin alpha-7 deficiency. Also called: Congenital muscular dystrophy with integrin alpha-7 deficiency; Muscular dystrophy, congenital, due to ITGA7 deficiency; MYOPATHY, CONGENITAL, DUE TO INTEGRIN ALPHA-7 DEFICIENCY. Identifiers: Orphanet 34520, MedGen C2750786, MONDO:0013177, OMIM 613204.

Allele frequency attached by ClinVar (database versions not stated): gnomAD exomes below 0.00001.

Submission:

Labcorp Genetics (formerly Invitae), Labcorp
Classification: Pathogenic for Congenital muscular dystrophy due to integrin alpha-7 deficiency. Last evaluated: 2023-04-09. Review status: criteria provided, single submitter. Criteria: Invitae Variant Classification Sherloc (09022015). Collection method: clinical testing. Allele origin: germline.
Comment: For these reasons, this variant has been classified as Pathogenic. This variant has not been reported in the literature in individuals affected with ITGA7-related conditions. This variant is present in population databases (no rsID available, gnomAD 0.0009%). This sequence change creates a premature translational stop signal (p.Ala940Leufs*52) in the ITGA7 gene. It is expected to result in an absent or disrupted protein product. Loss-of-function variants in ITGA7 are known to be pathogenic (PMID: 9590299).

Literature cited by the submitters: PubMed 9590299.